The following is an entry in ClinVar:

NM_000787.4(DBH):c.1499del (p.Leu500fs)

Genes: DBH (dopamine beta-hydroxylase; plus strand), DBH-AS1 (DBH antisense RNA 1; minus strand). Cytogenetic location: 9q34.2.
Variant type: Deletion.
Coding change: c.1499del on transcript NM_000787.4 (MANE Select); coding-DNA position 1499, one base deleted (T; older notation c.1499delT).
Protein change: p.Leu500fs; shifts the reading frame from leucine 500.
Molecular consequence: frameshift variant.
Genome position (GRCh38, 1-based): chr9:133,656,587, T deleted. VCF-style (leftmost placement, unchanged base first): chr9-133656586-CT-C. GRCh37 (hg19) VCF-style: chr9-136521708-CT-C.
Other names: short protein forms L500fs.
Identifiers: ClinVar variation 2897826 (VCV002897826.4), dbSNP rs757399972, ClinGen allele CA5313561.
Genomic context (GRCh38, chr9:133,656,586, plus strand): 5'-GGCTTCGGGATCCTGGAGGAGATGTGTGTCAACTACGTGCACTACTACCCCCAGACGCAG[CT>C]GGAGCTCTGCAAGAGCGCTGTGGACGCCGGCTTCCTGCAGAAGTACTTCCACCTCATCAA-3'

ClinVar aggregate classification (germline): Pathogenic/Likely pathogenic. Review status: criteria provided, multiple submitters, no conflicts (2 of 4 stars). 2 submissions from 2 submitters: Pathogenic (1); Likely pathogenic (1). Last evaluated 2024-06-11.

Conditions:
Orthostatic hypotension 1 (ORTHYP1). Also called: NORADRENALINE DEFICIENCY; NOREPINEPHRINE DEFICIENCY; Dopamine beta-hydroxylase deficiency; Orthostatic hypotension 1, due to DBH deficiency. Identifiers: Orphanet 230, MedGen C4746777, MONDO:0009123, OMIM 223360.

Allele frequency attached by ClinVar (database versions not stated): TOPMed 0.00002; ExAC 0.00003; gnomAD 0.00002; gnomAD exomes 0.00004; ESP Exome Variant Server 0.00008.

Submissions (2):

Labcorp Genetics (formerly Invitae), Labcorp
Classification: Pathogenic for Orthostatic hypotension 1. Last evaluated: 2024-06-11. Review status: criteria provided, single submitter. Criteria: Invitae Variant Classification Sherloc (09022015). Collection method: clinical testing. Allele origin: germline.
Comment: This sequence change creates a premature translational stop signal (p.Leu500Argfs*53) in the DBH gene. It is expected to result in an absent or disrupted protein product. Loss-of-function variants in DBH are known to be pathogenic (PMID: 7715704, 15060114). This variant is present in population databases (rs757399972, gnomAD 0.004%). This variant has not been reported in the literature in individuals affected with DBH-related conditions. For these reasons, this variant has been classified as Pathogenic.

Department of Pathology and Laboratory Medicine, Sinai Health System
Classification: Likely pathogenic for Orthostatic hypotension 1. Last evaluated: 2023-02-14. Review status: criteria provided, single submitter. Criteria: ACMG Guidelines, 2015. Collection method: research. Allele origin: germline.

Literature cited by the submitters: PubMed 7715704 (cited by Labcorp Genetics (formerly Invitae), Labcorp); PubMed 15060114 (cited by Labcorp Genetics (formerly Invitae), Labcorp).